The following is an entry in ClinVar:

ClinVar aggregate classification (germline): Uncertain significance (1 of 4 stars; one submission).

gnomAD v4.1: 1 of 1,609,918 alleles (0.000062%); no homozygotes.

Submission:

Labcorp Genetics (formerly Invitae), Labcorp
Classification: Uncertain significance. Last evaluated: 2019-10-31. Review status: criteria provided, single submitter. Criteria: Invitae Variant Classification Sherloc (09022015). Collection method: clinical testing. Allele origin: germline.
Comment: This sequence change replaces glutamine with arginine at codon 192 of the MSH3 protein (p.Gln192Arg). The glutamine residue is moderately conserved and there is a small physicochemical difference between glutamine and arginine. This variant is not present in population databases (ExAC no frequency). This variant has not been reported in the literature in individuals with MSH3-related conditions. Algorithms developed to predict the effect of missense changes on protein structure and function output the following: SIFT: "Tolerated"; PolyPhen-2: "Benign"; Align-GVGD: "Class C0". The arginine amino acid residue is found in multiple mammalian species, suggesting that this missense change does not adversely affect protein function. These predictions have not been confirmed by published functional studies and their clinical significance is uncertain. In summary, the available evidence is currently insufficient to determine the role of this variant in disease. Therefore, it has been classified as a Variant of Uncertain Significance.

NM_002439.5(MSH3):c.575A>G (p.Gln192Arg)

Gene: MSH3 (mutS homolog 3; plus strand). Cytogenetic location: 5q14.1.
Variant type: single nucleotide variant.
Coding change: c.575A>G on transcript NM_002439.5 (MANE Select); coding-DNA position 575, A replaced by G.
Protein change: p.Gln192Arg; replaces glutamine 192 with arginine.
Molecular consequence: missense variant.
Genome position (GRCh38, 1-based): chr5:80,665,359, A>G. VCF-style: chr5-80665359-A-G. GRCh37 (hg19) VCF-style: chr5-79961178-A-G.
Other names: short protein forms Q192R.
Identifiers: ClinVar variation 963251 (VCV000963251.9), dbSNP rs1749547537, ClinGen allele CA360264635.